The following is an entry in ClinVar:

ClinVar aggregate classification (germline): Pathogenic (1 of 4 stars; one submission).

Conditions:
Bardet-Biedl syndrome 3 (BBS3). Identifiers: Orphanet 110, MedGen C1859564, MONDO:0010832, OMIM 600151.
Retinitis pigmentosa 55 (RP55). Identifiers: Orphanet 791, MedGen C3150808, MONDO:0013312, OMIM 613575.

Submission:

Labcorp Genetics (formerly Invitae), Labcorp
Classification: Pathogenic for Retinitis pigmentosa 55; Bardet-Biedl syndrome 3. Last evaluated: 2023-08-29. Review status: criteria provided, single submitter. Criteria: Invitae Variant Classification Sherloc (09022015). Collection method: clinical testing. Allele origin: germline.
Comment: This sequence change creates a premature translational stop signal (p.Leu63*) in the ARL6 gene. It is expected to result in an absent or disrupted protein product. Loss-of-function variants in ARL6 are known to be pathogenic (PMID: 15258860, 19858128, 20142850, 22334370, 27486776, 31736247). This variant is not present in population databases (gnomAD no frequency). This variant has not been reported in the literature in individuals affected with ARL6-related conditions. Algorithms developed to predict the effect of sequence changes on RNA splicing suggest that this variant may create or strengthen a splice site. For these reasons, this variant has been classified as Pathogenic.

Literature cited by the submitters: PubMed 15258860; PubMed 19858128; PubMed 20142850; PubMed 22334370; PubMed 27486776; PubMed 31736247.

NM_001278293.3(ARL6):c.188T>A (p.Leu63Ter)

Gene: ARL6 (ARF like GTPase 6; plus strand). Cytogenetic location: 3q11.2.
Variant type: single nucleotide variant.
Coding change: c.188T>A on transcript NM_001278293.3 (MANE Select); coding-DNA position 188, T replaced by A.
Protein change: p.Leu63Ter; replaces leucine 63 with a stop codon.
Molecular consequence: nonsense. On other transcripts: non-coding transcript variant (7).
Genome position (GRCh38, 1-based): chr3:97,780,617, T>A. VCF-style: chr3-97780617-T-A. GRCh37 (hg19) VCF-style: chr3-97499461-T-A.
Other names: c.188T>A, p.Leu63Ter (NM_001323513.2, NM_001323514.2, NM_032146.5 and 1 more transcripts); short protein forms L63*.
Identifiers: ClinVar variation 2943163 (VCV002943163.3), dbSNP rs2529895361, ClinGen allele CA353585947.
Genomic context (GRCh38, chr3:97,780,617, plus strand): 5'-TTTAAGTAAAAGTTATGCTTTAGTTTATAATGTAGTCATGTTTTGCTTCTTTTTGTAGTT[T>A]GTCATTTACAGTGTTTGACATGTCAGGTCAAGGAAGATACAGAAATCTCTGGGAACACTA-3'